The following is an entry in ClinVar:

NM_000038.6(APC):c.5604T>C (p.Asp1868=)

Gene: APC (APC regulator of Wnt signaling pathway; plus strand). Cytogenetic location: 5q22.2.
Variant type: single nucleotide variant.
Coding change: c.5604T>C on transcript NM_000038.6 (MANE Select); coding-DNA position 5604, T replaced by C.
Protein change: p.Asp1868=; no amino-acid change (aspartic acid 1868 retained).
Molecular consequence: synonymous variant. On other transcripts: non-coding transcript variant (2).
Genome position (GRCh38, 1-based): chr5:112,841,198, T>C. VCF-style: chr5-112841198-T-C. GRCh37 (hg19) VCF-style: chr5-112176895-T-C.
Other names: c.5604T>C, p.Asp1868= (NM_001127510.3, NM_001354895.2, NM_001407450.1); c.5550T>C, p.Asp1850= (NM_001127511.3); c.5658T>C, p.Asp1886= (NM_001354896.2, NM_001407447.1, NM_001407448.1 and 1 more transcripts); c.5634T>C, p.Asp1878= (NM_001354897.2); c.5529T>C, p.Asp1843= (NM_001354898.2); c.5520T>C, p.Asp1840= (NM_001354899.2); c.5481T>C, p.Asp1827= (NM_001354900.2); c.5427T>C, p.Asp1809= (NM_001354901.2, NM_001407453.1); and 12 more.
Identifiers: ClinVar variation 3253981 (VCV003253981.2), dbSNP rs2149944376.
Genomic context (GRCh38, chr5:112,841,198, plus strand): 5'-TATTGAAGGAACTCCTTACTGTTTTTCACGAAATGATTCTTTGAGTTCTCTAGATTTTGA[T>C]GATGATGATGTTGACCTTTCCAGGGAAAAGGCTGAATTAAGAAAGGCAAAAGAAAATAAG-3'
Protein context (NP_000029.2, residues 1858-1878): RNDSLSSLDF[Asp1868=]DDDVDLSREK

ClinVar aggregate classification (germline): Benign/Likely benign. Review status: criteria provided, multiple submitters, no conflicts (2 of 4 stars). 2 submissions from 2 submitters: Benign (1); Likely benign (1). Last evaluated 2025-09-19.

Conditions:
Hereditary cancer-predisposing syndrome. Also called: Hereditary neoplastic syndrome; Neoplastic Syndromes, Hereditary; Tumor predisposition; Hereditary Cancer Syndrome. Identifiers: Orphanet 140162, MedGen C0027672, MeSH D009386, MONDO:0015356.
Familial adenomatous polyposis 1 (FAP1). Also called: POLYPOSIS, ADENOMATOUS INTESTINAL; FAMILIAL ADENOMATOUS POLYPOSIS 1, ATTENUATED. Identifiers: MedGen C2713442, MONDO:0021056, OMIM 175100. Disease mechanism: loss of function.

Submissions (2):

Ambry Genetics
Classification: Likely benign for Hereditary cancer-predisposing syndrome. Last evaluated: 2025-09-19. Review status: criteria provided, single submitter. Criteria: Ambry Variant Classification Scheme 2023. Collection method: clinical testing. Allele origin: germline.

Myriad Genetics, Inc.
Classification: Benign for Familial adenomatous polyposis 1. Last evaluated: 2024-04-02. Review status: criteria provided, single submitter. Criteria: Myriad Autosomal Dominant, Autosomal Recessive and X-Linked Classification Criteria (2023). Collection method: clinical testing. Allele origin: unknown.
Comment: This variant is considered benign. This variant is a silent/synonymous amino acid change and it is not expected to impact splicing.